The following is an entry in ClinVar:

ClinVar aggregate classification (germline): Uncertain significance (1 of 4 stars; one submission).

Submission:

Labcorp Genetics (formerly Invitae), Labcorp
Classification: Uncertain significance. Last evaluated: 2023-04-06. Review status: criteria provided, single submitter. Criteria: Invitae Variant Classification Sherloc (09022015). Collection method: clinical testing. Allele origin: germline.
Comment: This sequence change replaces tyrosine, which is neutral and polar, with phenylalanine, which is neutral and non-polar, at codon 775 of the CEP97 protein (p.Tyr775Phe). This variant is not present in population databases (gnomAD no frequency). This variant has not been reported in the literature in individuals affected with CEP97-related conditions. Advanced modeling of protein sequence and biophysical properties (such as structural, functional, and spatial information, amino acid conservation, physicochemical variation, residue mobility, and thermodynamic stability) has been performed at Invitae for this missense variant, however the output from this modeling did not meet the statistical confidence thresholds required to predict the impact of this variant on CEP97 protein function. In summary, the available evidence is currently insufficient to determine the role of this variant in disease. Therefore, it has been classified as a Variant of Uncertain Significance.

NM_024548.4(CEP97):c.2324A>T (p.Tyr775Phe)

Gene: CEP97 (centrosomal protein 97; plus strand). Cytogenetic location: 3q12.3.
Variant type: single nucleotide variant.
Coding change: c.2324A>T on transcript NM_024548.4 (MANE Select); coding-DNA position 2324, A replaced by T.
Protein change: p.Tyr775Phe; replaces tyrosine 775 with phenylalanine.
Molecular consequence: missense variant.
Genome position (GRCh38, 1-based): chr3:101,765,277, A>T. VCF-style: chr3-101765277-A-T. GRCh37 (hg19) VCF-style: chr3-101484121-A-T.
Other names: c.2147A>T, p.Tyr716Phe (NM_001303401.2); c.2222A>T, p.Tyr741Phe (NM_001410784.1); c.2045A>T, p.Tyr682Phe (NM_001410785.1); short protein forms Y682F, Y716F, Y741F, Y775F.
Identifiers: ClinVar variation 2795895 (VCV002795895.3), dbSNP rs1178009494, ClinGen allele CA353881857.